The following is an entry in ClinVar:

ClinVar aggregate classification (germline): Uncertain significance (1 of 4 stars; one submission).

Conditions:
Glycine encephalopathy. Also called: Nonketotic hyperglycinemia; Non-ketotic hyperglycinemia. Identifiers: Orphanet 407, MedGen C0751748, MONDO:0011612, HP:0008288.

gnomAD v4.1: 3 of 1,613,176 alleles (0.00019%); highest among the groups gnomAD compares: Admixed American, 0.0017%; no homozygotes.

Submission:

Labcorp Genetics (formerly Invitae), Labcorp
Classification: Uncertain significance for Glycine encephalopathy. Last evaluated: 2021-09-01. Review status: criteria provided, single submitter. Criteria: Invitae Variant Classification Sherloc (09022015). Collection method: clinical testing. Allele origin: germline.
Comment: This sequence change replaces alanine with valine at codon 122 of the GLDC protein (p.Ala122Val). The alanine residue is weakly conserved and there is a small physicochemical difference between alanine and valine. This variant is not present in population databases (ExAC no frequency). This variant has not been reported in the literature in individuals affected with GLDC-related conditions. Advanced modeling of protein sequence and biophysical properties (such as structural, functional, and spatial information, amino acid conservation, physicochemical variation, residue mobility, and thermodynamic stability) performed at Invitae indicates that this missense variant is not expected to disrupt GLDC protein function. In summary, the available evidence is currently insufficient to determine the role of this variant in disease. Therefore, it has been classified as a Variant of Uncertain Significance.

NM_000170.3(GLDC):c.365C>T (p.Ala122Val)

Gene: GLDC (glycine decarboxylase; minus strand). Cytogenetic location: 9p24.1.
Variant type: single nucleotide variant.
Coding change: c.365C>T on transcript NM_000170.3 (MANE Select); coding-DNA position 365, C replaced by T.
Protein change: p.Ala122Val; replaces alanine 122 with valine.
Molecular consequence: missense variant.
Genome position (GRCh38, 1-based): chr9:6,620,289, G>A on the plus strand (C>T on the coding strand, the complement: GLDC is on the minus strand). VCF-style: chr9-6620289-G-A. GRCh37 (hg19) VCF-style: chr9-6620289-G-A.
Other names: short protein forms A122V.
Identifiers: ClinVar variation 1414866 (VCV001414866.5), dbSNP rs748248885, ClinGen allele CA188656000.